The following is an entry in ClinVar:

NM_002645.4(PIK3C2A):c.2491A>T (p.Met831Leu)

Gene: PIK3C2A (phosphatidylinositol-4-phosphate 3-kinase catalytic subunit type 2 alpha; minus strand). Cytogenetic location: 11p15.1.
Variant type: single nucleotide variant.
Coding change: c.2491A>T on transcript NM_002645.4 (MANE Select); coding-DNA position 2491, A replaced by T.
Protein change: p.Met831Leu; replaces methionine 831 with leucine.
Molecular consequence: missense variant.
Genome position (GRCh38, 1-based): chr11:17,122,722, T>A on the plus strand (A>T on the coding strand, the complement: PIK3C2A is on the minus strand). VCF-style: chr11-17122722-T-A. GRCh37 (hg19) VCF-style: chr11-17144269-T-A.
Other names: c.2491A>T, p.Met831Leu (NM_001321378.2); c.1351A>T, p.Met451Leu (NM_001321380.2); c.2323A>T, p.Met775Leu (NM_001386870.1); short protein forms M831L, M451L, M775L.
Identifiers: ClinVar variation 1943071 (VCV001943071.5), dbSNP rs2494074126, ClinGen allele CA379762370.

ClinVar aggregate classification (germline): Uncertain significance (1 of 4 stars; one submission).

gnomAD v4.1: 1 of 1,472,510 alleles (0.000068%); highest among the groups gnomAD compares: Non-Finnish European, 0.000095%; no homozygotes.

Submission:

Labcorp Genetics (formerly Invitae), Labcorp
Classification: Uncertain significance. Last evaluated: 2022-05-04. Review status: criteria provided, single submitter. Criteria: Invitae Variant Classification Sherloc (09022015). Collection method: clinical testing. Allele origin: germline.
Comment: In summary, the available evidence is currently insufficient to determine the role of this variant in disease. Therefore, it has been classified as a Variant of Uncertain Significance. Algorithms developed to predict the effect of missense changes on protein structure and function are either unavailable or do not agree on the potential impact of this missense change (SIFT: "Not Available"; PolyPhen-2: "Benign"; Align-GVGD: "Not Available"). This variant has not been reported in the literature in individuals affected with PIK3C2A-related conditions. This variant is not present in population databases (gnomAD no frequency). This sequence change replaces methionine, which is neutral and non-polar, with leucine, which is neutral and non-polar, at codon 831 of the PIK3C2A protein (p.Met831Leu).